The following is an entry in ClinVar:

NM_030962.4(SBF2):c.5038-2A>G

Genes: SBF2 (SET binding factor 2; minus strand), SBF2-AS1 (SBF2 antisense RNA 1; plus strand), LOC105369149 (uncharacterized LOC105369149; plus strand). Cytogenetic location: 11p15.4.
Variant type: single nucleotide variant.
Coding change: c.5038-2A>G on transcript NM_030962.4 (MANE Select); the canonical splice acceptor site of the intron before coding-DNA position 5038, A replaced by G.
Molecular consequence: splice acceptor variant.
Genome position (GRCh38, 1-based): chr11:9,785,320, T>C on the plus strand (A>G on the coding strand, the complement: SBF2 is on the minus strand). VCF-style: chr11-9785320-T-C. GRCh37 (hg19) VCF-style: chr11-9806867-T-C.
Other names: c.4909-2A>G (NM_001386342.1); c.5134-2A>G (NM_001386339.1).
Identifiers: ClinVar variation 1066335 (VCV001066335.7), dbSNP rs2133850270, ClinGen allele CA379631843.

ClinVar aggregate classification (germline): Likely pathogenic (1 of 4 stars; one submission).

Conditions:
Charcot-Marie-Tooth disease type 4. Also called: Charcot-Marie-Tooth, Type 4; Charcot-Marie-Tooth disease, type IV. Identifiers: Orphanet 64749, MedGen C4082197, MONDO:0018995.

Submission:

Labcorp Genetics (formerly Invitae), Labcorp
Classification: Likely pathogenic for Charcot-Marie-Tooth disease type 4. Last evaluated: 2020-02-12. Review status: criteria provided, single submitter. Criteria: Invitae Variant Classification Sherloc (09022015). Collection method: clinical testing. Allele origin: germline.
Comment: In summary, the currently available evidence indicates that the variant is pathogenic, but additional data are needed to prove that conclusively. Therefore, this variant has been classified as Likely Pathogenic. This sequence change affects an acceptor splice site in intron 36 of the SBF2 gene. It is expected to disrupt RNA splicing and likely results in an absent or disrupted protein product. This variant is not present in population databases (ExAC no frequency). This variant has not been reported in the literature in individuals with SBF2-related conditions. Algorithms developed to predict the effect of sequence changes on RNA splicing suggest that this variant may disrupt the consensus splice site, but this prediction has not been confirmed by published transcriptional studies. Donor and acceptor splice site variants typically lead to a loss of protein function (PMID: 16199547), and loss-of-function variants in SBF2 are known to be pathogenic (PMID: 12687498, 25873783).

Literature cited by the submitters: PubMed 16199547; PubMed 12687498; PubMed 25873783.